The following is an entry in ClinVar:

ClinVar aggregate classification (germline): Uncertain significance (1 of 4 stars; one submission).

Conditions:
X-linked myopathy with excessive autophagy (AVM). Also called: Vacuolar myopathy; Autophagic vacuolar myopathy. Identifiers: Orphanet 25980, MedGen C1839615, MONDO:0010684, OMIM 310440.

Allele frequency attached by ClinVar (database versions not stated): gnomAD exomes below 0.00001; gnomAD 0.00001; TOPMed 0.00001.
gnomAD v4.1: 3 of 1,208,921 alleles (0.00025%); highest among the groups gnomAD compares: South Asian, 0.0018%; no homozygotes.

Submission:

Labcorp Genetics (formerly Invitae), Labcorp
Classification: Uncertain significance for X-linked myopathy with excessive autophagy. Last evaluated: 2021-12-22. Review status: criteria provided, single submitter. Criteria: Invitae Variant Classification Sherloc (09022015). Collection method: clinical testing. Allele origin: germline.
Comment: In summary, the available evidence is currently insufficient to determine the role of this variant in disease. Therefore, it has been classified as a Variant of Uncertain Significance. Algorithms developed to predict the effect of missense changes on protein structure and function are either unavailable or do not agree on the potential impact of this missense change (SIFT: "Not Available"; PolyPhen-2: "Possibly Damaging"; Align-GVGD: "Not Available"). This variant has not been reported in the literature in individuals affected with VMA21-related conditions. This variant is not present in population databases (gnomAD no frequency). This sequence change replaces arginine, which is basic and polar, with histidine, which is basic and polar, at codon 96 of the VMA21 protein (p.Arg96His).

NM_001017980.4(VMA21):c.287G>A (p.Arg96His)

Gene: VMA21 (vacuolar ATPase assembly factor VMA21; plus strand). Cytogenetic location: Xq28.
Variant type: single nucleotide variant.
Coding change: c.287G>A on transcript NM_001017980.4 (MANE Select); coding-DNA position 287, G replaced by A.
Protein change: p.Arg96His; replaces arginine 96 with histidine.
Molecular consequence: missense variant.
Genome position (GRCh38, 1-based): chrX:151,405,039, G>A. VCF-style: chrX-151405039-G-A. GRCh37 (hg19) VCF-style: chrX-150573511-G-A.
Other names: c.452G>A, p.Arg151His (NM_001363810.1); short protein forms R151H, R96H.
Identifiers: ClinVar variation 1932071 (VCV001932071.5), dbSNP rs1337598483, ClinGen allele CA415271395.